The following is an entry in ClinVar:

ClinVar aggregate classification (germline): Likely pathogenic (0 of 4 stars; one submission).

Conditions:
Ornithine carbamoyltransferase deficiency (OTCD). Also called: ORNITHINE TRANSCARBAMYLASE DEFICIENCY; ORNITHINE TRANSCARBAMYLASE DEFICIENCY, HYPERAMMONEMIA DUE TO; OTC DEFICIENCY; Ornithine Carbamoyltransferase Deficiency Disease. Identifiers: Orphanet 664, MedGen C0268542, MONDO:0010703, OMIM 311250.

Submission:

Caldovic Lab, Children's National Health System
Classification: Likely pathogenic for Ornithine carbamoyltransferase deficiency. Last evaluated: 2017-12-12. Review status: no assertion criteria provided. Collection method: research. Allele origin: unknown, not applicable. Inheritance: X-linked recessive inheritance. Affected: yes.
Comment: Functional testing in cultured cells indicates reduced expression of reporter gene.

Literature cited by the submitters: PubMed 29282796.

NC_000023.11:g.38352558A>G

Gene: OTC (ornithine transcarbamylase; plus strand). Cytogenetic location: Xp11.4.
Variant type: single nucleotide variant.
Genome position: GRCh38 VCF-style: chrX-38352558-A-G. GRCh37 (hg19) VCF-style: chrX-38211811-A-G.
Identifiers: ClinVar variation 487341 (VCV000487341.2), dbSNP rs1555971001, ClinGen allele CA658799699.